The following is an entry in ClinVar:

NM_001659.3(ARF3):c.56G>A (p.Arg19His)

Gene: ARF3 (ARF GTPase 3; minus strand). Cytogenetic location: 12q13.12.
Variant type: single nucleotide variant.
Coding change: c.56G>A on transcript NM_001659.3 (MANE Select); coding-DNA position 56, G replaced by A.
Protein change: p.Arg19His; replaces arginine 19 with histidine.
Molecular consequence: missense variant.
Genome position (GRCh38, 1-based): chr12:48,941,040, C>T on the plus strand (G>A on the coding strand, the complement: ARF3 is on the minus strand). VCF-style: chr12-48941040-C-T. GRCh37 (hg19) VCF-style: chr12-49334823-C-T.
Other names: c.56G>A, p.Arg19His (NM_001412914.1, NM_001412915.1, NM_001412916.1 and 7 more transcripts); short protein forms R19H.
Identifiers: ClinVar variation 1878713 (VCV001878713.1), dbSNP rs2498897604, ClinGen allele CA384660040.

ClinVar aggregate classification (germline): Uncertain significance (1 of 4 stars; one submission).

Submission:

GeneDx
Classification: Uncertain significance. Last evaluated: 2022-05-19. Review status: criteria provided, single submitter. Criteria: GeneDx Variant Classification Process June 2021. Collection method: clinical testing. Allele origin: germline. Affected: yes.
Comment: Not observed at significant frequency in large population cohorts (gnomAD); In silico analysis supports that this missense variant has a deleterious effect on protein structure/function; Has not been previously published as pathogenic or benign to our knowledge; Variants in candidate genes are classified as variants of uncertain significance in accordance with ACMG guidelines (Richards et al., 2015)